The following is an entry in ClinVar:

NM_017807.4(OSGEP):c.667G>A (p.Glu223Lys)

Gene: OSGEP (O-sialoglycoprotein endopeptidase; minus strand). Cytogenetic location: 14q11.2.
Variant type: single nucleotide variant.
Coding change: c.667G>A on transcript NM_017807.4 (MANE Select); coding-DNA position 667, G replaced by A.
Protein change: p.Glu223Lys; replaces glutamic acid 223 with lysine.
Molecular consequence: missense variant.
Genome position (GRCh38, 1-based): chr14:20,448,141, C>T on the plus strand (G>A on the coding strand, the complement: OSGEP is on the minus strand). VCF-style: chr14-20448141-C-T. GRCh37 (hg19) VCF-style: chr14-20916300-C-T.
Other names: short protein forms E223K.
Identifiers: ClinVar variation 736079 (VCV000736079.12), dbSNP rs140366254, ClinGen allele CA7081129.
Genomic context (GRCh38, chr14:20,448,141, plus strand): 5'-CTGTCCCAGTTTTTTACTGCATTACCTGCAGGGAGAAACACAGATCCTCAGGAGTACACT[C>T]GCCTGTGGCCAGCATCCGATGGGCTACATCCTACAATTAAAGGGAAAAACAAAAGAATCA-3'
Protein context (NP_060277.1, residues 213-233): DVAHRMLATG[Glu223Lys]CTPEDLCFSL

ClinVar aggregate classification (germline): Benign/Likely benign. Review status: criteria provided, multiple submitters, no conflicts (2 of 4 stars). 3 submissions from 3 submitters: Benign (1); Likely benign (1). 1 of the submissions does not count toward it. Last evaluated 2025-12-08.

Conditions:
OSGEP-related disorder. Also called: OSGEP-related condition.
Inborn genetic diseases. Identifiers: MedGen C0950123, MeSH D030342.

Allele frequency attached by ClinVar (database versions not stated): gnomAD exomes 0.00010 and 0.00016; ExAC 0.00017; 1000 Genomes Project 0.00060; ESP Exome Variant Server 0.00062; gnomAD 0.00074 and 0.00079; 1000 Genomes Project 30x 0.00078; TOPMed 0.00083.

Submissions (3):

Labcorp Genetics (formerly Invitae), Labcorp
Classification: Benign. Last evaluated: 2025-12-08. Review status: criteria provided, single submitter. Criteria: Invitae Variant Classification Sherloc (09022015). Collection method: clinical testing. Allele origin: germline.

Ambry Genetics
Classification: Likely benign for Inborn genetic diseases. Last evaluated: 2025-06-30. Review status: criteria provided, single submitter. Criteria: Ambry Variant Classification Scheme 2023. Collection method: clinical testing. Allele origin: germline.

PreventionGenetics, part of Exact Sciences
Classification: Likely benign for OSGEP-related condition. Last evaluated: 2024-04-04. Review status: no assertion criteria provided. Collection method: clinical testing. Allele origin: germline. Not counted in ClinVar's aggregate classification.
Comment: This variant is classified as likely benign based on ACMG/AMP sequence variant interpretation guidelines (Richards et al. 2015 PMID: 25741868, with internal and published modifications).